The following is an entry in ClinVar:

ClinVar aggregate classification (germline): Uncertain significance. Review status: criteria provided, multiple submitters, no conflicts (2 of 4 stars). 2 submissions from 2 submitters: Uncertain significance (2). Last evaluated 2026-03-24.

Conditions:
Familial focal epilepsy with variable foci (FPEVF). Identifiers: Orphanet 98820, MedGen C1858477, MONDO:0020310.

gnomAD v4.1: 2 of 1,614,066 alleles (0.00012%); highest among the groups gnomAD compares: African/African-American, 0.0027%; no homozygotes.

Submissions (2):

GeneDx
Classification: Uncertain significance. Last evaluated: 2026-03-24. Review status: criteria provided, single submitter. Criteria: GeneDx Variant Classification Process June 2021. Collection method: clinical testing. Allele origin: germline.
Comment: Not observed at significant frequency in large population cohorts (gnomAD); In silico analysis supports that this missense variant has a deleterious effect on protein structure/function; Has not been previously published as pathogenic or benign to our knowledge

Labcorp Genetics (formerly Invitae), Labcorp
Classification: Uncertain significance for Familial focal epilepsy with variable foci. Last evaluated: 2025-11-22. Review status: criteria provided, single submitter. Criteria: Invitae Variant Classification Sherloc (09022015). Collection method: clinical testing. Allele origin: germline.
Comment: This sequence change replaces serine, which is neutral and polar, with threonine, which is neutral and polar, at codon 855 of the DEPDC5 protein (p.Ser855Thr). This variant is not present in population databases (gnomAD no frequency). This variant has not been reported in the literature in individuals affected with DEPDC5-related conditions. Experimental studies and prediction algorithms are not available or were not evaluated, and the functional significance of this variant is currently unknown. In summary, the available evidence is currently insufficient to determine the role of this variant in disease. Therefore, it has been classified as a Variant of Uncertain Significance.

NM_001242896.3(DEPDC5):c.2564G>C (p.Ser855Thr)

Gene: DEPDC5 (DEP domain containing 5, GATOR1 subcomplex subunit; plus strand). Cytogenetic location: 22q12.3.
Variant type: single nucleotide variant.
Coding change: c.2564G>C on transcript NM_001242896.3 (MANE Select); coding-DNA position 2564, G replaced by C.
Protein change: p.Ser855Thr; replaces serine 855 with threonine.
Molecular consequence: missense variant. On other transcripts: non-coding transcript variant (5).
Genome position (GRCh38, 1-based): chr22:31,843,143, G>C. VCF-style: chr22-31843143-G-C. GRCh37 (hg19) VCF-style: chr22-32239129-G-C.
Other names: c.2537G>C, p.Ser846Thr (NM_001136029.4, NM_001369903.1, NM_014662.6); c.2330G>C, p.Ser777Thr (NM_001242897.2, NM_001363854.2, NM_001364319.2); c.2564G>C, p.Ser855Thr (NM_001363852.2, NM_001364318.2, NM_001364320.2); c.2480G>C, p.Ser827Thr (NM_001369901.1, NM_001369902.1); c.2564G>C (NM_001242896.1); short protein forms S827T, S846T, S777T, S855T.
Identifiers: ClinVar variation 4759582 (VCV004759582.2).